The following is an entry in ClinVar:

ClinVar aggregate classification (germline): Uncertain significance (1 of 4 stars; one submission).

Conditions:
Charcot-Marie-Tooth disease type 4. Also called: Charcot-Marie-Tooth, Type 4; Charcot-Marie-Tooth disease, type IV. Identifiers: Orphanet 64749, MedGen C4082197, MONDO:0018995.

Allele frequency attached by ClinVar (database versions not stated): gnomAD exomes below 0.00001; TOPMed below 0.00001.
gnomAD v4.1: 2 of 1,611,670 alleles (0.00012%); highest among the groups gnomAD compares: Admixed American, 0.0033%; no homozygotes.

Submission:

Labcorp Genetics (formerly Invitae), Labcorp
Classification: Uncertain significance for Charcot-Marie-Tooth disease type 4. Last evaluated: 2022-09-01. Review status: criteria provided, single submitter. Criteria: Invitae Variant Classification Sherloc (09022015). Collection method: clinical testing. Allele origin: germline.
Comment: This sequence change replaces lysine, which is basic and polar, with glutamic acid, which is acidic and polar, at codon 26 of the SBF2 protein (p.Lys26Glu). This variant is present in population databases (no rsID available, gnomAD 0.006%). This variant has not been reported in the literature in individuals affected with SBF2-related conditions. Algorithms developed to predict the effect of missense changes on protein structure and function are either unavailable or do not agree on the potential impact of this missense change (SIFT: "Tolerated"; PolyPhen-2: "Possibly Damaging"; Align-GVGD: "Class C0"). In summary, the available evidence is currently insufficient to determine the role of this variant in disease. Therefore, it has been classified as a Variant of Uncertain Significance.

NM_030962.4(SBF2):c.76A>G (p.Lys26Glu)

Gene: SBF2 (SET binding factor 2; minus strand). Cytogenetic location: 11p15.4.
Variant type: single nucleotide variant.
Coding change: c.76A>G on transcript NM_030962.4 (MANE Select); coding-DNA position 76, A replaced by G.
Protein change: p.Lys26Glu; replaces lysine 26 with glutamic acid.
Molecular consequence: missense variant.
Genome position (GRCh38, 1-based): chr11:10,193,967, T>C on the plus strand (A>G on the coding strand, the complement: SBF2 is on the minus strand). VCF-style: chr11-10193967-T-C. GRCh37 (hg19) VCF-style: chr11-10215514-T-C.
Other names: c.76A>G, p.Lys26Glu (NM_001386339.1, NM_001386342.1); short protein forms K26E.
Identifiers: ClinVar variation 2186695 (VCV002186695.1), dbSNP rs1238261264, ClinGen allele CA379850640.